The following is an entry in ClinVar:

NM_031935.3(HMCN1):c.6733G>A (p.Val2245Ile)

Gene: HMCN1 (hemicentin 1; plus strand). Cytogenetic location: 1q31.1.
Variant type: single nucleotide variant.
Coding change: c.6733G>A on transcript NM_031935.3 (MANE Select); coding-DNA position 6733, G replaced by A.
Protein change: p.Val2245Ile; replaces valine 2245 with isoleucine.
Molecular consequence: missense variant.
Genome position (GRCh38, 1-based): chr1:186,053,857, G>A. VCF-style: chr1-186053857-G-A. GRCh37 (hg19) VCF-style: chr1-186022989-G-A.
Other names: short protein forms V2245I.
Identifiers: ClinVar variation 1942251 (VCV001942251.7), dbSNP rs1250207361, ClinGen allele CA343901242.
Genomic context (GRCh38, chr1:186,053,857, plus strand): 5'-ATATTCTGCCATTTGGACTTCTTTGTAGGCTCTCCAGTGCTGACTGATTCCATGGGGCGA[G>A]TTAGAATTTTATCTGGGGGCAGGCAATTACAAATTTCAATTGCTGAAAAGTCTGATGCAG-3'
Protein context (NP_114141.2, residues 2235-2255): SPVLTDSMGR[Val2245Ile]RILSGGRQLQ

ClinVar aggregate classification (germline): Uncertain significance. Review status: criteria provided, multiple submitters, no conflicts (2 of 4 stars). 3 submissions from 3 submitters: Uncertain significance (3). Last evaluated 2025-02-03.

Conditions:
Age related macular degeneration 1 (ARMD1). Also called: MACULOPATHY, AGE-RELATED, 1. Identifiers: MedGen C1864205, MONDO:0011285, OMIM 603075.

Allele frequency attached by ClinVar (database versions not stated): gnomAD 0.00002; TOPMed 0.00003.
gnomAD v4.1: 31 of 1,612,540 alleles (0.0019%); highest among the groups gnomAD compares: Admixed American, 0.0084%; no homozygotes.

Submissions (3):

Labcorp Genetics (formerly Invitae), Labcorp
Classification: Uncertain significance. Last evaluated: 2025-02-03. Review status: criteria provided, single submitter. Criteria: Invitae Variant Classification Sherloc (09022015). Collection method: clinical testing. Allele origin: germline.
Comment: This sequence change replaces valine, which is neutral and non-polar, with isoleucine, which is neutral and non-polar, at codon 2245 of the HMCN1 protein (p.Val2245Ile). This variant is present in population databases (no rsID available, gnomAD 0.003%). This variant has not been reported in the literature in individuals affected with HMCN1-related conditions. ClinVar contains an entry for this variant (Variation ID: 1942251). An algorithm developed to predict the effect of missense changes on protein structure and function outputs the following: PolyPhen-2: "Benign". The isoleucine amino acid residue is found in multiple mammalian species, which suggests that this missense change does not adversely affect protein function. In summary, the available evidence is currently insufficient to determine the role of this variant in disease. Therefore, it has been classified as a Variant of Uncertain Significance.

Genome-Nilou Lab
Classification: Uncertain significance for Age related macular degeneration 1. Last evaluated: 2023-04-11. Review status: criteria provided, single submitter. Criteria: ACMG Guidelines, 2015. Collection method: clinical testing. Allele origin: germline. Affected: no.

Ambry Genetics
Classification: Uncertain significance. Last evaluated: 2021-09-16. Review status: criteria provided, single submitter. Criteria: Ambry Variant Classification Scheme 2023. Collection method: clinical testing. Allele origin: germline.